The following is an entry in ClinVar:

NM_024996.7(GFM1):c.890del (p.Leu297fs)

Gene: GFM1 (G elongation factor mitochondrial 1; plus strand). Cytogenetic location: 3q25.32.
Variant type: Deletion.
Coding change: c.890del on transcript NM_024996.7 (MANE Select); coding-DNA position 890, one base deleted (T; older notation c.890delT).
Protein change: p.Leu297fs; shifts the reading frame from leucine 297.
Molecular consequence: frameshift variant. On other transcripts: non-coding transcript variant (4).
Genome position (GRCh38, 1-based): chr3:158,653,359, T deleted; the last of 5 consecutive T bases (chr3:158,653,355-158,653,359); deleting any one gives the same sequence. VCF-style (leftmost placement, unchanged base first): chr3-158653354-AT-A. GRCh37 (hg19) VCF-style: chr3-158371143-AT-A.
Other names: c.947del, p.Leu316fs (NM_001308164.2, NM_001374355.1); c.890del, p.Leu297fs (NM_001308166.2); c.773del, p.Leu258fs (NM_001374356.1); c.665del, p.Leu222fs (NM_001374357.1); c.431del, p.Leu144fs (NM_001374358.1); c.323del, p.Leu108fs (NM_001374359.1, NM_001374360.1); c.206del, p.Leu69fs (NM_001374361.1); short protein forms L108fs, L258fs, L316fs, L144fs, L222fs, L69fs, L297fs.
Identifiers: ClinVar variation 1357540 (VCV001357540.7), dbSNP rs775228051, ClinGen allele CA2682450.

ClinVar aggregate classification (germline): Pathogenic/Likely pathogenic. Review status: criteria provided, multiple submitters, no conflicts (2 of 4 stars). 2 submissions from 2 submitters: Pathogenic (1); Likely pathogenic (1). Last evaluated 2024-01-17.

Conditions:
Hepatoencephalopathy due to combined oxidative phosphorylation defect type 1. Also called: HEPATOENCEPHALOPATHY, EARLY FATAL PROGRESSIVE. Identifiers: Orphanet 137681, MedGen C1836797, MONDO:0012191, OMIM 609060.

Submissions (2):

Fulgent Genetics
Classification: Likely pathogenic for Hepatoencephalopathy due to combined oxidative phosphorylation defect type 1. Last evaluated: 2024-01-17. Review status: criteria provided, single submitter. Criteria: ACMG Guidelines, 2015. Collection method: clinical testing. Allele origin: germline.

Labcorp Genetics (formerly Invitae), Labcorp
Classification: Pathogenic. Last evaluated: 2023-06-07. Review status: criteria provided, single submitter. Criteria: Invitae Variant Classification Sherloc (09022015). Collection method: clinical testing. Allele origin: germline.
Comment: For these reasons, this variant has been classified as Pathogenic. ClinVar contains an entry for this variant (Variation ID: 1357540). This variant has not been reported in the literature in individuals affected with GFM1-related conditions. This variant is present in population databases (rs775228051, gnomAD 0.003%). This sequence change creates a premature translational stop signal (p.Leu297Trpfs*5) in the GFM1 gene. It is expected to result in an absent or disrupted protein product. Loss-of-function variants in GFM1 are known to be pathogenic (PMID: 16632485, 17160893).

Literature cited by the submitters: PubMed 16632485 (cited by Labcorp Genetics (formerly Invitae), Labcorp); PubMed 17160893 (cited by Labcorp Genetics (formerly Invitae), Labcorp).